The following is an entry in ClinVar:

ClinVar aggregate classification (germline): Uncertain significance (1 of 4 stars; one submission).

Conditions:
Charcot-Marie-Tooth disease axonal type 2O. Also called: CHARCOT-MARIE-TOOTH NEUROPATHY, AXONAL, TYPE 2O; CHARCOT-MARIE-TOOTH DISEASE, AXONAL, AUTOSOMAL DOMINANT, TYPE 2O; Charcot-Marie-Tooth Neuropathy Type 2O; Charcot-Marie-Tooth disease, axonal, type 20. Identifiers: Orphanet 284232, MedGen C3280220, MONDO:0013644, OMIM 614228.

Submission:

Labcorp Genetics (formerly Invitae), Labcorp
Classification: Uncertain significance for Charcot-Marie-Tooth disease axonal type 2O. Last evaluated: 2022-11-01. Review status: criteria provided, single submitter. Criteria: Invitae Variant Classification Sherloc (09022015). Collection method: clinical testing. Allele origin: germline.
Comment: In summary, the available evidence is currently insufficient to determine the role of this variant in disease. Therefore, it has been classified as a Variant of Uncertain Significance. Advanced modeling of protein sequence and biophysical properties (such as structural, functional, and spatial information, amino acid conservation, physicochemical variation, residue mobility, and thermodynamic stability) performed at Invitae indicates that this missense variant is not expected to disrupt DYNC1H1 protein function. This variant has not been reported in the literature in individuals affected with DYNC1H1-related conditions. This variant is not present in population databases (gnomAD no frequency). This sequence change replaces threonine, which is neutral and polar, with isoleucine, which is neutral and non-polar, at codon 729 of the DYNC1H1 protein (p.Thr729Ile).

NM_001376.5(DYNC1H1):c.2186C>T (p.Thr729Ile)

Gene: DYNC1H1 (dynein cytoplasmic 1 heavy chain 1; plus strand). Cytogenetic location: 14q32.31.
Variant type: single nucleotide variant.
Coding change: c.2186C>T on transcript NM_001376.5 (MANE Select); coding-DNA position 2186, C replaced by T.
Protein change: p.Thr729Ile; replaces threonine 729 with isoleucine.
Molecular consequence: missense variant.
Genome position (GRCh38, 1-based): chr14:101,986,411, C>T. VCF-style: chr14-101986411-C-T. GRCh37 (hg19) VCF-style: chr14-102452748-C-T.
Other names: short protein forms T729I.
Identifiers: ClinVar variation 2731863 (VCV002731863.3), dbSNP rs2503695604, ClinGen allele CA391021527.